The following is an entry in ClinVar:

ClinVar aggregate classification (germline): Conflicting classifications of pathogenicity. Review status: criteria provided, conflicting classifications (1 of 4 stars). 12 submissions from 12 submitters: Uncertain significance (4); Benign (1); Likely benign (6). 1 of the submissions does not count toward it. Last evaluated 2026-08-06.

Conditions:
Retinal dystrophy. Also called: Inherited retinal dystrophy. Identifiers: Orphanet 71862, MedGen C0854723, MeSH D058499, MONDO:0019118, HP:0000556.
Retinitis pigmentosa (RP). Identifiers: Orphanet 791, MedGen C0035334, MeSH D012174, MONDO:0019200, OMIM 268000. Inheritance: Autosomal dominant, autosomal recessive and X linked inheritance.
Retinitis pigmentosa 25 (RP25). Identifiers: Orphanet 791, MedGen C1864446, MONDO:0011272, OMIM 602772.

Allele frequency attached by ClinVar (database versions not stated): 1000 Genomes Project 30x 0.00094; 1000 Genomes Project 0.00100; gnomAD 0.00157 and 0.00166; gnomAD exomes 0.00171; ExAC 0.00194; TOPMed 0.00232.
gnomAD v4.1: 1,812 of 1,542,280 alleles (0.12%); highest among the groups gnomAD compares: Middle Eastern, 2.8%; 13 homozygotes.

Submissions (12):

OLLIN Analises Genomicas, OLLIN
Classification: Uncertain significance for Retinitis pigmentosa 25. Last evaluated: 2026-08-06. Review status: criteria provided, single submitter. Criteria: ACMG Guidelines 2015 PMID 25741868. Collection method: clinical testing. Allele origin: germline. Inheritance: Autosomal recessive inheritance.
Comment: This missense variant, located in exon 30 (of 43), has been reported in ClinVar (accession VCV000137257.49) and in gnomAD with an allele frequency of 0.12%. However, to our knowledge, it has not been reported in the scientific literature. In silico analysis is inconclusive regarding the impact of this variant. According to the currently available evidence, this variant has been classified as uncertain significance (BS1).

Women's Health and Genetics/Laboratory Corporation of America, LabCorp
Classification: Likely benign. Last evaluated: 2026-06-01. Review status: criteria provided, single submitter. Criteria: LabCorp Variant Classification Summary - May 2015. Collection method: clinical testing. Allele origin: germline.
Comment: Variant summary: EYS c.6119T>A (p.Val2040Asp) results in a non-conservative amino acid change located in the first laminin G repeat domain (IPR001791) of the encoded protein sequence. Algorithms developed to predict the effect of missense changes on protein structure and function are either unavailable or do not agree on the potential impact of this missense change. The variant allele was found at a frequency of 0.0017 in 152886 control chromosomes, predominantly at a frequency of 0.0038 within the Latino subpopulation in the gnomAD database. The observed variant frequency within Latino control individuals in the gnomAD database exceeds the estimated maximal expected allele frequency for disease-causing variants in EYS. c.6119T>A has been observed in individual(s) affected with EYS-related conditions (Audo_2010, Barragan_2010, Sharon_2020, Dinero_2020). These report(s) do not provide unequivocal conclusions about association of the variant with disease. To our knowledge, no experimental evidence demonstrating an impact on protein function has been reported. The following publications have been ascertained in the context of this evaluation (PMID: 31456290, 20333770, 21069908, 26593283, 32483926). ClinVar contains an entry for this variant (Variation ID: 137257). Based on the evidence outlined above, the variant was classified as likely benign.

CeGaT Center for Human Genetics Tuebingen
Classification: Likely benign. Last evaluated: 2026-04-01. Review status: criteria provided, single submitter. Criteria: CeGaT Center For Human Genetics Tuebingen Variant Classification Criteria Version 2. Collection method: clinical testing. Allele origin: germline. Affected: yes. Observed: 6 variant alleles.
Comment: EYS: BP4

Labcorp Genetics (formerly Invitae), Labcorp
Classification: Likely benign. Last evaluated: 2026-02-04. Review status: criteria provided, single submitter. Criteria: Invitae Variant Classification Sherloc (09022015). Collection method: clinical testing. Allele origin: germline.

Blueprint Genetics
Classification: Likely benign. Last evaluated: 2024-11-22. Review status: criteria provided, single submitter. Criteria: ACMG Guidelines, 2015. Collection method: clinical testing. Allele origin: germline.

Institute of Human Genetics, Univ. Regensburg, Univ. Regensburg
Classification: Uncertain significance for Retinal dystrophy. Last evaluated: 2023-01-01. Review status: criteria provided, single submitter. Criteria: ACMG Guidelines, 2015. Collection method: clinical testing. Allele origin: germline. Affected: yes.

Pars Genome Lab
Classification: Likely benign for Retinitis pigmentosa 25. Last evaluated: 2021-05-18. Review status: criteria provided, single submitter. Criteria: ACMG Guidelines, 2015. Collection method: clinical testing. Allele origin: germline. Affected: no.

Baylor Genetics
Classification: Uncertain significance for Retinitis pigmentosa 25. Last evaluated: 2019-10-11. Review status: criteria provided, single submitter. Criteria: ACMG Guidelines, 2015. Collection method: clinical testing. Allele origin: maternal. Affected: yes. Study: CSER-TexasKidsCanSeq.
Comment: This variant was determined to be of uncertain significance according to ACMG Guidelines, 2015 [PMID:25741868].

Illumina Laboratory Services, Illumina
Classification: Uncertain significance for Retinitis pigmentosa. Last evaluated: 2017-04-27. Review status: criteria provided, single submitter. Criteria: ICSL Variant Classification Criteria 13 December 2019. Collection method: clinical testing. Allele origin: germline.
Comment: This variant was observed as part of a predisposition screen in an ostensibly healthy population. A literature search was performed for the gene, cDNA change, and amino acid change (where applicable). Publications were found based on this search. However, the evidence from the literature, in combination with allele frequency data from public databases where available, was not sufficient to rule this variant in or out of causing disease. Therefore, this variant is classified as a variant of unknown significance.

Eurofins Ntd Llc (ga)
Classification: Likely benign. Last evaluated: 2014-06-17. Review status: criteria provided, single submitter. Criteria: EGL Classification Definitions 2015. Collection method: clinical testing. Allele origin: germline. Observed: 2 variant alleles, 2 heterozygotes.

GeneDx
Classification: Benign. Last evaluated: 2011-12-16. Review status: criteria provided, single submitter. Criteria: GeneDx Variant Classification (06012015). Collection method: clinical testing. Allele origin: germline. Affected: yes.
Comment: This variant is considered likely benign or benign based on one or more of the following criteria: it is a conservative change, it occurs at a poorly conserved position in the protein, it is predicted to be benign by multiple in silico algorithms, and/or has population frequency not consistent with disease.

Sharon lab, Hadassah-Hebrew University Medical Center
Classification: Likely pathogenic for Retinitis pigmentosa. Last evaluated: 2019-06-23. Review status: no assertion criteria provided. Collection method: research. Allele origin: inherited. Affected: yes. Not counted in ClinVar's aggregate classification.

Literature cited by the submitters: PubMed 31456290 (cited by Women's Health and Genetics/Laboratory Corporation of America, LabCorp and Institute of Human Genetics, Univ. Regensburg, Univ. Regensburg); PubMed 20333770 (cited by Women's Health and Genetics/Laboratory Corporation of America, LabCorp and Eurofins Ntd Llc (ga)); PubMed 21069908 (cited by 3 submitters); PubMed 26593283 (cited by Women's Health and Genetics/Laboratory Corporation of America, LabCorp); PubMed 32483926 (cited by Women's Health and Genetics/Laboratory Corporation of America, LabCorp); PubMed 3248392 (cited by Institute of Human Genetics, Univ. Regensburg, Univ. Regensburg).

NM_001142800.2(EYS):c.6119T>A (p.Val2040Asp)

Gene: EYS (EGF-like photoreceptor maintenance factor; minus strand). Cytogenetic location: 6q12.
Variant type: single nucleotide variant.
Coding change: c.6119T>A on transcript NM_001142800.2 (MANE Select); coding-DNA position 6119, T replaced by A.
Protein change: p.Val2040Asp; replaces valine 2040 with aspartic acid.
Molecular consequence: missense variant.
Genome position (GRCh38, 1-based): chr6:64,307,042, A>T on the plus strand (T>A on the coding strand, the complement: EYS is on the minus strand). VCF-style: chr6-64307042-A-T. GRCh37 (hg19) VCF-style: chr6-65016935-A-T.
Other names: p.V2040D:GTT>GAT; c.6119T>A (FM209056.1); c.6119T>A, p.Val2040Asp (NM_001292009.2); short protein forms V2040D.
Identifiers: ClinVar variation 137257 (VCV000137257.53), dbSNP rs201580493, ClinGen allele CA202471.